The following is an entry in ClinVar:

ClinVar aggregate classification (germline): Likely benign. Review status: criteria provided, single submitter (1 of 4 stars). 2 submissions from 2 submitters: Likely benign (1). 1 of the submissions does not count toward it. Last evaluated 2025-11-15.

Conditions:
IFT74-related disorder. Also called: IFT74-related condition; IFT74-Related Disorders.

Allele frequency attached by ClinVar (database versions not stated): gnomAD exomes 0.00007 and 0.00027; gnomAD 0.00016 and 0.00021; TOPMed 0.00022; ExAC 0.00031; 1000 Genomes Project 30x 0.00109; 1000 Genomes Project 0.00140.
gnomAD v4.1: 127 of 1,594,444 alleles (0.008%); highest among the groups gnomAD compares: East Asian, 0.27%; no homozygotes.

Submissions (2):

Labcorp Genetics (formerly Invitae), Labcorp
Classification: Likely benign. Last evaluated: 2025-11-15. Review status: criteria provided, single submitter. Criteria: Invitae Variant Classification Sherloc (09022015). Collection method: clinical testing. Allele origin: germline.

PreventionGenetics, part of Exact Sciences
Classification: Likely benign for IFT74-related condition. Last evaluated: 2022-05-12. Review status: no assertion criteria provided. Collection method: clinical testing. Allele origin: germline. Not counted in ClinVar's aggregate classification.
Comment: This variant is classified as likely benign based on ACMG/AMP sequence variant interpretation guidelines (Richards et al. 2015 PMID: 25741868, with internal and published modifications).

NM_025103.4(IFT74):c.1651C>T (p.His551Tyr)

Gene: IFT74 (intraflagellar transport 74; plus strand). Cytogenetic location: 9p21.2.
Variant type: single nucleotide variant.
Coding change: c.1651C>T on transcript NM_025103.4 (MANE Select); coding-DNA position 1651, C replaced by T.
Protein change: p.His551Tyr; replaces histidine 551 with tyrosine.
Molecular consequence: missense variant.
Genome position (GRCh38, 1-based): chr9:27,060,618, C>T. VCF-style: chr9-27060618-C-T. GRCh37 (hg19) VCF-style: chr9-27060616-C-T.
Other names: c.1651C>T (NM_025103.2); c.1651C>T, p.His551Tyr (NM_001099222.3, NM_001099223.3, NM_001349928.2); short protein forms H551Y.
Identifiers: ClinVar variation 1573151 (VCV001573151.10), dbSNP rs201441697, ClinGen allele CA5015741.